The following is an entry in ClinVar:

ClinVar aggregate classification (germline): Uncertain significance (1 of 4 stars; one submission).

Allele frequency attached by ClinVar (database versions not stated): gnomAD exomes below 0.00001; TOPMed below 0.00001; gnomAD 0.00001.
gnomAD v4.1: 14 of 1,500,392 alleles (0.00093%); highest among the groups gnomAD compares: East Asian, 0.016%; no homozygotes.

Submission:

Ambry Genetics
Classification: Uncertain significance. Last evaluated: 2024-01-22. Review status: criteria provided, single submitter. Criteria: Ambry Variant Classification Scheme 2023. Collection method: clinical testing. Allele origin: germline.
Comment: The c.110C>T (p.A37V) alteration is located in exon (coding exon ) of the SH3RF3 gene. This alteration results from a C to T substitution at nucleotide position 110, causing the alanine (A) at amino acid position 37 to be replaced by a valine (V). Based on insufficient or conflicting evidence, the clinical significance of this alteration remains unclear.

NM_001099289.3(SH3RF3):c.110C>T (p.Ala37Val)

Genes: RANBP2 (RAN binding protein 2; plus strand), SH3RF3 (SH3 domain containing ring finger 3; plus strand), SH3RF3-AS1 (SH3RF3 antisense RNA 1; minus strand). Cytogenetic location: 2q13.
Variant type: single nucleotide variant.
Coding change: c.110C>T on transcript NM_001099289.3 (MANE Select); coding-DNA position 110, C replaced by T.
Protein change: p.Ala37Val; replaces alanine 37 with valine.
Molecular consequence: missense variant. On other transcripts: non-coding transcript variant (1).
Genome position (GRCh38, 1-based): chr2:109,129,650, C>T. VCF-style: chr2-109129650-C-T. GRCh37 (hg19) VCF-style: chr2-109746106-C-T.
Other names: short protein forms A37V.
Identifiers: ClinVar variation 3161406 (VCV003161406.1), dbSNP rs1303870654, ClinGen allele CA348118031.
Genomic context (GRCh38, chr2:109,129,650, plus strand): 5'-CTGCGCAGAGCGAGGGCGACGAGGACAGGCCAGGCGAGCGACGGCGGCGTCGGGCGGCGG[C>T]CACCGCCGCGGGGGCGGGCGAGGACATGGACGAGTCGTCGCTGCTGGACCTGCTGGAGTG-3'
Protein context (NP_001092759.1, residues 27-47): PGERRRRRAA[Ala37Val]TAAGAGEDMD